The following is an entry in ClinVar:

NM_024757.5(EHMT1):c.2560G>A (p.Val854Met)

Gene: EHMT1 (euchromatic histone lysine methyltransferase 1; plus strand). Cytogenetic location: 9q34.3.
Variant type: single nucleotide variant.
Coding change: c.2560G>A on transcript NM_024757.5 (MANE Select); coding-DNA position 2560, G replaced by A.
Protein change: p.Val854Met; replaces valine 854 with methionine.
Molecular consequence: missense variant.
Genome position (GRCh38, 1-based): chr9:137,798,867, G>A. VCF-style: chr9-137798867-G-A. GRCh37 (hg19) VCF-style: chr9-140693319-G-A.
Other names: c.2539G>A, p.Val847Met (NM_001354263.2); short protein forms V847M, V854M.
Identifiers: ClinVar variation 4536734 (VCV004536734.1).

ClinVar aggregate classification (germline): Uncertain significance (1 of 4 stars; one submission).

gnomAD v4.1: 1 of 1,614,208 alleles (0.000062%); highest among the groups gnomAD compares: Admixed American, 0.0017%; no homozygotes.

Submission:

Women's Health and Genetics/Laboratory Corporation of America, LabCorp
Classification: Uncertain significance. Last evaluated: 2025-11-13. Review status: criteria provided, single submitter. Criteria: LabCorp Variant Classification Summary - May 2015. Collection method: clinical testing. Allele origin: germline.
Comment: Variant summary: EHMT1 c.2560G>A (p.Val854Met) results in a conservative amino acid change in the encoded protein sequence. Algorithms developed to predict the effect of missense changes on protein structure and function are either unavailable or do not agree on the potential impact of this missense change. The variant was absent in 251492 control chromosomes. The available data on variant occurrences in the general population are insufficient to allow any conclusion about variant significance. To our knowledge, no occurrence of c.2560G>A in individuals affected with EHMT1-related conditions and no experimental evidence demonstrating its impact on protein function have been reported. No submitters have cited clinical-significance assessments for this variant to ClinVar. Based on the evidence outlined above, the variant was classified as uncertain significance.